The following is an entry in ClinVar:

NM_006949.4(STXBP2):c.212_213del (p.Leu71fs)

Gene: STXBP2 (syntaxin binding protein 2; plus strand). Cytogenetic location: 19p13.2.
Variant type: Deletion.
Coding change: c.212_213del on transcript NM_006949.4 (MANE Select); coding-DNA positions 212 to 213, 2 bases deleted (TG; older notation c.212_213delTG).
Protein change: p.Leu71fs; shifts the reading frame from leucine 71.
Molecular consequence: frameshift variant. On other transcripts: non-coding transcript variant (1).
Genome position (GRCh38, 1-based): chr19:7,639,773-7,639,774, TG deleted. VCF-style (leftmost placement, unchanged base first): chr19-7639772-CTG-C. GRCh37 (hg19) VCF-style: chr19-7704658-CTG-C.
Other names: c.212_213del, p.Leu71fs (NM_001127396.3, NM_001272034.2); c.212_213del (NM_006949.3); short protein forms L71fs.
Identifiers: ClinVar variation 538150 (VCV000538150.9), dbSNP rs1555769166, ClinGen allele CA505236439.

ClinVar aggregate classification (germline): Pathogenic (1 of 4 stars; one submission).

Conditions:
Familial hemophagocytic lymphohistiocytosis 5. Also called: STXBP2-Related Familial Hemophagocytic Lymphohistiocytosis (STXBP2-fHLH). Identifiers: Orphanet 540, MedGen C2751293, MONDO:0013135, OMIM 613101.

Allele frequency attached by ClinVar (database versions not stated): gnomAD exomes 0.00001.

Submission:

Labcorp Genetics (formerly Invitae), Labcorp
Classification: Pathogenic for Familial hemophagocytic lymphohistiocytosis 5. Last evaluated: 2019-04-24. Review status: criteria provided, single submitter. Criteria: Invitae Variant Classification Sherloc (09022015). Collection method: clinical testing. Allele origin: germline.
Comment: For these reasons, this variant has been classified as Pathogenic. Loss-of-function variants in STXBP2 are known to be pathogenic (PMID: 19804848, 22451424). This variant has not been reported in the literature in individuals with STXBP2-related disease. ClinVar contains an entry for this variant (Variation ID: 538150). This variant is not present in population databases (ExAC no frequency). This sequence change creates a premature translational stop signal (p.Leu71Argfs*46) in the STXBP2 gene. It is expected to result in an absent or disrupted protein product.

Literature cited by the submitters: PubMed 19804848; PubMed 22451424.